The following is an entry in ClinVar:

ClinVar aggregate classification (germline): Uncertain significance (1 of 4 stars; one submission).

Submission:

GeneDx
Classification: Uncertain significance. Last evaluated: 2024-01-19. Review status: criteria provided, single submitter. Criteria: GeneDx Variant Classification Process June 2021. Collection method: clinical testing. Allele origin: germline. Affected: yes.
Comment: Not observed at significant frequency in large population cohorts (gnomAD); In silico analysis supports that this missense variant has a deleterious effect on protein structure/function; Has not been previously published as pathogenic or benign to our knowledge

NM_001127392.3(MYRF):c.1984A>G (p.Thr662Ala)

Gene: MYRF (myelin regulatory factor; plus strand). Cytogenetic location: 11q12.2.
Variant type: single nucleotide variant.
Coding change: c.1984A>G on transcript NM_001127392.3 (MANE Select); coding-DNA position 1984, A replaced by G.
Protein change: p.Thr662Ala; replaces threonine 662 with alanine.
Molecular consequence: missense variant.
Genome position (GRCh38, 1-based): chr11:61,778,460, A>G. VCF-style: chr11-61778460-A-G. GRCh37 (hg19) VCF-style: chr11-61545932-A-G.
Other names: c.1957A>G, p.Thr653Ala (NM_013279.4); short protein forms T653A, T662A.
Identifiers: ClinVar variation 3368122 (VCV003368122.1).